The following is an entry in ClinVar:

NM_021625.5(TRPV4):c.330C>T (p.Tyr110=)

Gene: TRPV4 (transient receptor potential cation channel subfamily V member 4; minus strand). Cytogenetic location: 12q24.11.
Variant type: single nucleotide variant.
Coding change: c.330C>T on transcript NM_021625.5 (MANE Select); coding-DNA position 330, C replaced by T.
Protein change: p.Tyr110=; no amino-acid change (tyrosine 110 retained).
Molecular consequence: synonymous variant.
Genome position (GRCh38, 1-based): chr12:109,814,467, G>A on the plus strand (C>T on the coding strand, the complement: TRPV4 is on the minus strand). VCF-style: chr12-109814467-G-A. GRCh37 (hg19) VCF-style: chr12-110252272-G-A.
Other names: c.330C>T, p.Tyr110= (NM_001177428.2, NM_001177433.2, NM_147204.3); c.228C>T, p.Tyr76= (NM_001177431.2).
Identifiers: ClinVar variation 382236 (VCV000382236.34), dbSNP rs777176504, ClinGen allele CA6780579.

ClinVar aggregate classification (germline): Likely benign. Review status: criteria provided, multiple submitters, no conflicts (2 of 4 stars). 4 submissions from 4 submitters: Likely benign (4). Last evaluated 2025-10-21.

Conditions:
Inborn genetic diseases. Identifiers: MedGen C0950123, MeSH D030342.
Charcot-Marie-Tooth disease axonal type 2C (HMSN2C). Also called: CHARCOT-MARIE-TOOTH DISEASE, AXONAL, AUTOSOMAL DOMINANT, TYPE 2C; Charcot-Marie-Tooth Neuropathy Type 2C; Charcot-Marie-Tooth Disease Type 2, TRPV4-Related (CMT2C). Identifiers: Orphanet 99937, MedGen C1853710, MONDO:0011633, OMIM 606071.

Allele frequency attached by ClinVar (database versions not stated): gnomAD 0.00001; TOPMed 0.00001; ExAC 0.00002; gnomAD exomes 0.00002.
gnomAD v4.1: 13 of 1,614,020 alleles (0.00081%); highest among the groups gnomAD compares: Admixed American, 0.0067%; no homozygotes.

Submissions (4):

Labcorp Genetics (formerly Invitae), Labcorp
Classification: Likely benign for Charcot-Marie-Tooth disease axonal type 2C. Last evaluated: 2025-10-21. Review status: criteria provided, single submitter. Criteria: Invitae Variant Classification Sherloc (09022015). Collection method: clinical testing. Allele origin: germline.

CeGaT Center for Human Genetics Tuebingen
Classification: Likely benign. Last evaluated: 2022-10-01. Review status: criteria provided, single submitter. Criteria: CeGaT Center For Human Genetics Tuebingen Variant Classification Criteria Version 2. Collection method: clinical testing. Allele origin: germline. Affected: yes. Observed: 1 variant allele.
Comment: TRPV4: BP4, BP7

Ambry Genetics
Classification: Likely benign for Inborn genetic diseases. Last evaluated: 2019-07-11. Review status: criteria provided, single submitter. Criteria: Ambry Variant Classification Scheme 2023. Collection method: clinical testing. Allele origin: germline.

GeneDx
Classification: Likely benign. Last evaluated: 2015-12-30. Review status: criteria provided, single submitter. Criteria: GeneDx Variant Classification (06012015). Collection method: clinical testing. Allele origin: germline. Affected: yes.
Comment: This variant is considered likely benign or benign based on one or more of the following criteria: it is a conservative change, it occurs at a poorly conserved position in the protein, it is predicted to be benign by multiple in silico algorithms, and/or has population frequency not consistent with disease.